The following is an entry in ClinVar:

ClinVar aggregate classification (germline): Uncertain significance (1 of 4 stars; one submission).

Conditions:
Cholestanol storage disease (CTX). Also called: Cerebrotendinous Xanthomatosis; CTX: Cerebrotendinous xanthomatosis; CEREBRAL CHOLESTERINOSIS. Identifiers: Orphanet 909, MedGen C0238052, MONDO:0008948, OMIM 213700.

Submission:

Labcorp Genetics (formerly Invitae), Labcorp
Classification: Uncertain significance for Cholestanol storage disease. Last evaluated: 2022-01-01. Review status: criteria provided, single submitter. Criteria: Invitae Variant Classification Sherloc (09022015). Collection method: clinical testing. Allele origin: germline.
Comment: This sequence change replaces valine, which is neutral and non-polar, with leucine, which is neutral and non-polar, at codon 86 of the CYP27A1 protein (p.Val86Leu). Algorithms developed to predict the effect of missense changes on protein structure and function (SIFT, PolyPhen-2, Align-GVGD) all suggest that this variant is likely to be tolerated. This variant has not been reported in the literature in individuals affected with CYP27A1-related conditions. This variant is not present in population databases (gnomAD no frequency). Algorithms developed to predict the effect of sequence changes on RNA splicing suggest that this variant may disrupt the consensus splice site. In summary, the available evidence is currently insufficient to determine the role of this variant in disease. Therefore, it has been classified as a Variant of Uncertain Significance.

NM_000784.4(CYP27A1):c.256G>T (p.Val86Leu)

Gene: CYP27A1 (cytochrome P450 family 27 subfamily A member 1; plus strand). Cytogenetic location: 2q35.
Variant type: single nucleotide variant.
Coding change: c.256G>T on transcript NM_000784.4 (MANE Select); coding-DNA position 256, G replaced by T.
Protein change: p.Val86Leu; replaces valine 86 with leucine.
Molecular consequence: missense variant.
Genome position (GRCh38, 1-based): chr2:218,809,577, G>T. VCF-style: chr2-218809577-G-T. GRCh37 (hg19) VCF-style: chr2-219674300-G-T.
Other names: short protein forms V86L.
Identifiers: ClinVar variation 1900234 (VCV001900234.5), dbSNP rs200604732, ClinGen allele CA350582861.